The following is an entry in ClinVar:

ClinVar aggregate classification (germline): Pathogenic (1 of 4 stars; one submission).

Conditions:
Hereditary cancer-predisposing syndrome. Also called: Neoplastic Syndromes, Hereditary; Tumor predisposition; Hereditary Cancer Syndrome; Hereditary neoplastic syndrome. Identifiers: Orphanet 140162, MedGen C0027672, MeSH D009386, MONDO:0015356.

Submission:

Ambry Genetics
Classification: Pathogenic for Hereditary cancer-predisposing syndrome. Last evaluated: 2021-11-02. Review status: criteria provided, single submitter. Criteria: Ambry Variant Classification Scheme 2023. Collection method: clinical testing. Allele origin: germline.
Comment: The c.200_254del55 pathogenic mutation, located in coding exon 2 of the RAD51C gene, results from a deletion of 55 nucleotides at nucleotide positions 200 to 254, causing a translational frameshift with a predicted alternate stop codon (p.E67Vfs*16). This variant is considered to be rare based on population cohorts in the Genome Aggregation Database (gnomAD). This alteration is expected to result in loss of function by premature protein truncation or nonsense-mediated mRNA decay. As such, this alteration is interpreted as a disease-causing mutation.

NM_058216.3(RAD51C):c.200_254del (p.Glu67fs)

Gene: RAD51C (RAD51 paralog C; plus strand). Cytogenetic location: 17q22.
Variant type: Deletion.
Coding change: c.200_254del on transcript NM_058216.3 (MANE Select); coding-DNA positions 200 to 254, 55 bases deleted.
Protein change: p.Glu67fs; shifts the reading frame from glutamic acid 67.
Molecular consequence: frameshift variant. On other transcripts: non-coding transcript variant (2).
Genome position (GRCh38, 1-based): chr17:58,694,985-58,695,039, 55 bases deleted. GRCh37 (hg19): chr17:56,772,346-56,772,400.
Other names: c.200_254del, p.Glu67fs (NM_002876.4); c.200_254del55, p.Glu67Valfs (NM_058217.1); short protein forms E67fs.
Identifiers: ClinVar variation 1784226 (VCV001784226.2), dbSNP rs2509273650, ClinGen allele CA2580094350.